The following is an entry in ClinVar:

ClinVar aggregate classification (germline): Pathogenic (1 of 4 stars; one submission).

Conditions:
Chédiak-Higashi syndrome (CHS). Also called: Chediak-Higashi Syndrome. Identifiers: Orphanet 167, MedGen C0007965, MONDO:0008963, OMIM 214500.

gnomAD v4.1: 1 of 1,611,478 alleles (0.000062%); highest among the groups gnomAD compares: East Asian, 0.0022%; no homozygotes.

Submission:

Labcorp Genetics (formerly Invitae), Labcorp
Classification: Pathogenic for Chédiak-Higashi syndrome. Last evaluated: 2025-11-23. Review status: criteria provided, single submitter. Criteria: Invitae Variant Classification Sherloc (09022015). Collection method: clinical testing. Allele origin: germline.
Comment: This sequence change creates a premature translational stop signal (p.Gln2501*) in the LYST gene. It is expected to result in an absent or disrupted protein product. Loss-of-function variants in LYST are known to be pathogenic (PMID: 9215679, 11857544). This variant is not present in population databases (gnomAD no frequency). This variant has not been reported in the literature in individuals affected with LYST-related conditions. Algorithms developed to predict the effect of sequence changes on RNA splicing suggest that this variant may disrupt the consensus splice site. For these reasons, this variant has been classified as Pathogenic.

Literature cited by the submitters: PubMed 9215679; PubMed 11857544.

NM_000081.4(LYST):c.7501C>T (p.Gln2501Ter)

Gene: LYST (lysosomal trafficking regulator; minus strand). Cytogenetic location: 1q42.3.
Variant type: single nucleotide variant.
Coding change: c.7501C>T on transcript NM_000081.4 (MANE Select); coding-DNA position 7501, C replaced by T.
Protein change: p.Gln2501Ter; replaces glutamine 2501 with a stop codon.
Molecular consequence: nonsense.
Genome position (GRCh38, 1-based): chr1:235,752,131, G>A on the plus strand (C>T on the coding strand, the complement: LYST is on the minus strand). VCF-style: chr1-235752131-G-A. GRCh37 (hg19) VCF-style: chr1-235915431-G-A.
Other names: c.7501C>T, p.Gln2501Ter (NM_001301365.1); short protein forms Q2501*.
Identifiers: ClinVar variation 4710172 (VCV004710172.1).